The following is an entry in ClinVar:

ClinVar aggregate classification (germline): Conflicting classifications of pathogenicity. Review status: criteria provided, conflicting classifications (1 of 4 stars). 3 submissions from 3 submitters: Uncertain significance (1); Likely benign (2). Last evaluated 2026-01-12.

Conditions:
Duchenne muscular dystrophy (DMD). Also called: Duchenne Muscular Dystrophy (DMD); MUSCULAR DYSTROPHY, PSEUDOHYPERTROPHIC PROGRESSIVE, DUCHENNE TYPE. Identifiers: Orphanet 98896, MedGen C0013264, MONDO:0010679, OMIM 310200.

Allele frequency attached by ClinVar (database versions not stated): ExAC 0.00001; gnomAD 0.00001; TOPMed 0.00001; gnomAD exomes 0.00002.
gnomAD v4.1: 8 of 1,209,239 alleles (0.00066%); highest among the groups gnomAD compares: African/African-American, 0.011%; no homozygotes.

Submissions (3):

Labcorp Genetics (formerly Invitae), Labcorp
Classification: Likely benign for Duchenne muscular dystrophy. Last evaluated: 2026-01-12. Review status: criteria provided, single submitter. Criteria: Invitae Variant Classification Sherloc (09022015). Collection method: clinical testing. Allele origin: germline.

GeneDx
Classification: Likely benign. Last evaluated: 2016-03-09. Review status: criteria provided, single submitter. Criteria: GeneDx Variant Classification (06012015). Collection method: clinical testing. Allele origin: germline. Affected: yes.
Comment: This variant is considered likely benign or benign based on one or more of the following criteria: it is a conservative change, it occurs at a poorly conserved position in the protein, it is predicted to be benign by multiple in silico algorithms, and/or has population frequency not consistent with disease.

Eurofins Ntd Llc (ga)
Classification: Uncertain significance. Last evaluated: 2015-11-11. Review status: criteria provided, single submitter. Criteria: EGL Classification Definitions 2015. Collection method: clinical testing. Allele origin: germline. Observed: 1 variant allele, 1 heterozygote.

NM_004006.3(DMD):c.2937C>T (p.Leu979=)

Gene: DMD (dystrophin; minus strand). Cytogenetic location: Xp21.1.
Variant type: single nucleotide variant.
Coding change: c.2937C>T on transcript NM_004006.3 (MANE Select); coding-DNA position 2937, C replaced by T.
Protein change: p.Leu979=; no amino-acid change (leucine 979 retained).
Molecular consequence: synonymous variant.
Genome position (GRCh38, 1-based): chrX:32,472,176, G>A on the plus strand (C>T on the coding strand, the complement: DMD is on the minus strand). VCF-style: chrX-32472176-G-A. GRCh37 (hg19) VCF-style: chrX-32490293-G-A.
Other names: c.2913C>T, p.Leu971= (NM_000109.4); c.2925C>T, p.Leu975= (NM_004009.3); c.2568C>T, p.Leu856= (NM_004010.3).
Identifiers: ClinVar variation 284830 (VCV000284830.14), dbSNP rs774450833, ClinGen allele CA10379407.